The following is an entry in ClinVar:

NM_001010919.3(CALHM6):c.330C>T (p.Pro110=)

Genes: CALHM6 (calcium homeostasis modulator family member 6; plus strand), CALHM6-AS1 (CALHM6 antisense RNA 1; minus strand). Cytogenetic location: 6q22.1.
Variant type: single nucleotide variant.
Coding change: c.330C>T on transcript NM_001010919.3 (MANE Select); coding-DNA position 330, C replaced by T.
Protein change: p.Pro110=; no amino-acid change (proline 110 retained).
Molecular consequence: synonymous variant. On other transcripts: intron variant (1).
Genome position (GRCh38, 1-based): chr6:116,462,259, C>T. VCF-style: chr6-116462259-C-T. GRCh37 (hg19) VCF-style: chr6-116783422-C-T.
Other names: c.9+830C>T (NM_001276460.2).
Identifiers: ClinVar variation 2656864 (VCV002656864.24), dbSNP rs11544159, ClinGen allele CA3969930.

ClinVar aggregate classification (germline): Likely benign (1 of 4 stars; one submission).

Allele frequency attached by ClinVar (database versions not stated): gnomAD 0.00034; TOPMed 0.00034; gnomAD exomes 0.00039.
gnomAD v4.1: 526 of 1,378,674 alleles (0.038%); highest among the groups gnomAD compares: Non-Finnish European, 0.046%; no homozygotes.

Submission:

CeGaT Center for Human Genetics Tuebingen
Classification: Likely benign. Last evaluated: 2022-11-01. Review status: criteria provided, single submitter. Criteria: CeGaT Center For Human Genetics Tuebingen Variant Classification Criteria Version 2. Collection method: clinical testing. Allele origin: germline. Affected: yes. Observed: 1 variant allele.
Comment: CALHM6: BP4, BP7